The following is an entry in ClinVar:

NM_017763.6(RNF43):c.1341A>G (p.Gly447=)

Gene: RNF43 (ring finger protein 43; minus strand). Cytogenetic location: 17q22.
Variant type: single nucleotide variant.
Coding change: c.1341A>G on transcript NM_017763.6 (MANE Select); coding-DNA position 1341, A replaced by G.
Protein change: p.Gly447=; no amino-acid change (glycine 447 retained).
Molecular consequence: synonymous variant.
Genome position (GRCh38, 1-based): chr17:58,358,435, T>C on the plus strand (A>G on the coding strand, the complement: RNF43 is on the minus strand). VCF-style: chr17-58358435-T-C. GRCh37 (hg19) VCF-style: chr17-56435796-T-C.
Other names: c.1341A>G, p.Gly447= (NM_001305544.3, NM_001438820.1, NM_001438821.1 and 1 more transcripts); c.960A>G, p.Gly320= (NM_001305545.2, NM_001437987.1).
Identifiers: ClinVar variation 4155764 (VCV004155764.2).

ClinVar aggregate classification (germline): Benign/Likely benign. Review status: criteria provided, multiple submitters, no conflicts (2 of 4 stars). 2 submissions from 2 submitters: Benign (1); Likely benign (1). Last evaluated 2026-07-01.

Conditions:
Sessile serrated polyposis cancer syndrome (SSPCS). Identifiers: Orphanet 157798, MedGen C4310714, MONDO:0014919, OMIM 617108.

gnomAD v4.1: 1 of 1,614,054 alleles (0.000062%); highest among the groups gnomAD compares: Non-Finnish European, 0.000085%; no homozygotes.

Submissions (2):

Myriad Genetics, Inc.
Classification: Benign for Sessile serrated polyposis cancer syndrome. Last evaluated: 2026-07-01. Review status: criteria provided, single submitter. Criteria: Myriad Autosomal Dominant, Autosomal Recessive and X-Linked Classification Criteria (2023). Collection method: clinical testing. Allele origin: unknown.
Comment: This variant is considered benign. This variant is a silent/synonymous amino acid change and it is not expected to impact splicing.

Ambry Genetics
Classification: Likely benign. Last evaluated: 2025-07-31. Review status: criteria provided, single submitter. Criteria: Ambry Variant Classification Scheme 2023. Collection method: clinical testing. Allele origin: germline.